The following is an entry in ClinVar:

ClinVar aggregate classification (germline): Pathogenic. Review status: criteria provided, multiple submitters, no conflicts (2 of 4 stars). 2 submissions from 2 submitters: Pathogenic (2). Last evaluated 2023-05-21.

Conditions:
Autosomal recessive osteopetrosis 1. Also called: TCIRG1-Related Osteopetrosis; ALBERS-SCHONBERG DISEASE, AUTOSOMAL RECESSIVE; TCIRG1-Related Autosomal Recessive Osteopetrosis. Identifiers: Orphanet 667, MedGen C1850127, MONDO:0009815, OMIM 259700.

Allele frequency attached by ClinVar (database versions not stated): TOPMed 0.00001.

Submissions (2):

Labcorp Genetics (formerly Invitae), Labcorp
Classification: Pathogenic. Last evaluated: 2023-05-21. Review status: criteria provided, single submitter. Criteria: Invitae Variant Classification Sherloc (09022015). Collection method: clinical testing. Allele origin: germline.
Comment: This variant is not present in population databases (gnomAD no frequency). This premature translational stop signal has been observed in individual(s) with osteopetrosis (PMID: 30539151). ClinVar contains an entry for this variant (Variation ID: 1980632). Algorithms developed to predict the effect of sequence changes on RNA splicing suggest that this variant may create or strengthen a splice site. For these reasons, this variant has been classified as Pathogenic. This sequence change creates a premature translational stop signal (p.Val348Cysfs*143) in the TCIRG1 gene. It is expected to result in an absent or disrupted protein product. Loss-of-function variants in TCIRG1 are known to be pathogenic (PMID: 10888887, 10942435, 11532986, 19448635).

Baylor Genetics
Classification: Pathogenic for Autosomal recessive osteopetrosis 1. Last evaluated: 2022-02-06. Review status: criteria provided, single submitter. Criteria: ACMG Guidelines, 2015. Collection method: clinical testing. Allele origin: unknown.

Literature cited by the submitters: PubMed 30539151 (cited by Labcorp Genetics (formerly Invitae), Labcorp); PubMed 10888887 (cited by Labcorp Genetics (formerly Invitae), Labcorp); PubMed 10942435 (cited by Labcorp Genetics (formerly Invitae), Labcorp); PubMed 11532986 (cited by Labcorp Genetics (formerly Invitae), Labcorp); PubMed 19448635 (cited by Labcorp Genetics (formerly Invitae), Labcorp).

NM_006019.4(TCIRG1):c.1037_1040dup (p.Val348fs)

Gene: TCIRG1 (T cell immune regulator 1, ATPase H+ transporting V0 subunit a3; plus strand). Cytogenetic location: 11q13.2.
Variant type: Duplication.
Coding change: c.1037_1040dup on transcript NM_006019.4 (MANE Select); coding-DNA positions 1037 to 1040, 4 bases duplicated (GTGC; older notation c.1037_1040dupGTGC).
Protein change: p.Val348fs; shifts the reading frame from valine 348.
Molecular consequence: frameshift variant.
Genome position (GRCh38, 1-based): chr11:68,044,974-68,044,977, GTGC duplicated. VCF-style (leftmost placement, unchanged base first): chr11-68044973-A-AGTGC. GRCh37 (hg19) VCF-style: chr11-67812440-A-AGTGC.
Other names: c.143_146dup, p.Val50fs (NM_001351059.2); c.389_392dup, p.Val132fs (NM_006053.4); short protein forms V50fs, V132fs, V348fs.
Identifiers: ClinVar variation 1980632 (VCV001980632.5), dbSNP rs1160085107, ClinGen allele CA679551685.